The following is an entry in ClinVar:

NM_001384474.1(LOXHD1):c.5546A>C (p.Asp1849Ala)

Gene: LOXHD1 (lipoxygenase homology PLAT domains 1; minus strand). Cytogenetic location: 18q21.1.
Variant type: single nucleotide variant.
Coding change: c.5546A>C on transcript NM_001384474.1 (MANE Select); coding-DNA position 5546, A replaced by C.
Protein change: p.Asp1849Ala; replaces aspartic acid 1849 with alanine.
Molecular consequence: missense variant.
Genome position (GRCh38, 1-based): chr18:46,507,684, T>G on the plus strand (A>C on the coding strand, the complement: LOXHD1 is on the minus strand). VCF-style: chr18-46507684-T-G. GRCh37 (hg19) VCF-style: chr18-44087647-T-G.
Other names: c.2213A>C, p.Asp738Ala (NM_001145472.3); c.263A>C, p.Asp88Ala (NM_001145473.3, NM_001173129.2); c.1925A>C, p.Asp642Ala (NM_001308013.2); c.5360A>C, p.Asp1787Ala (NM_144612.7); short protein forms D1787A, D738A, D642A, D88A, D1849A.
Identifiers: ClinVar variation 723604 (VCV000723604.19), dbSNP rs376636291, ClinGen allele CA8952173.

ClinVar aggregate classification (germline): Conflicting classifications of pathogenicity. Review status: criteria provided, conflicting classifications (1 of 4 stars). 8 submissions from 8 submitters: Uncertain significance (2); Likely benign (4). 2 of the submissions do not count toward it. Last evaluated 2026-07-19.

Conditions:
Autosomal recessive nonsyndromic hearing loss 77. Identifiers: Orphanet 90636, MedGen C2746083, MONDO:0013119, OMIM 613079.
LOXHD1-related disorder. Also called: LOXHD1-related condition.
Inborn genetic diseases. Identifiers: MedGen C0950123, MeSH D030342.

Allele frequency attached by ClinVar (database versions not stated): gnomAD exomes 0.00006 and 0.00016; ExAC 0.00038; 1000 Genomes Project 30x 0.00078; 1000 Genomes Project 0.00080; gnomAD 0.00085 and 0.00091; TOPMed 0.00090; ESP Exome Variant Server 0.00131.
gnomAD v4.1: 220 of 1,551,596 alleles (0.014%); highest among the groups gnomAD compares: African/African-American, 0.26%; no homozygotes.

Submissions (8):

GeneDx
Classification: Uncertain significance. Last evaluated: 2026-07-19. Review status: criteria provided, single submitter. Criteria: GeneDx Variant Classification Process June 2021. Collection method: clinical testing. Allele origin: germline.
Comment: In silico analysis supports that this missense variant has a deleterious effect on protein structure/function; Has not been previously published as pathogenic or benign to our knowledge

Labcorp Genetics (formerly Invitae), Labcorp
Classification: Likely benign. Last evaluated: 2026-01-28. Review status: criteria provided, single submitter. Criteria: Invitae Variant Classification Sherloc (09022015). Collection method: clinical testing. Allele origin: germline.

Ambry Genetics
Classification: Likely benign for Inborn genetic diseases. Last evaluated: 2024-12-09. Review status: criteria provided, single submitter. Criteria: Ambry Variant Classification Scheme 2023. Collection method: clinical testing. Allele origin: germline.

Blueprint Genetics
Classification: Uncertain significance. Last evaluated: 2024-08-28. Review status: criteria provided, single submitter. Criteria: ACMG Guidelines, 2015. Collection method: clinical testing. Allele origin: germline.

Women's Health and Genetics/Laboratory Corporation of America, LabCorp
Classification: Likely benign. Last evaluated: 2021-08-12. Review status: criteria provided, single submitter. Criteria: LabCorp Variant Classification Summary - May 2015. Collection method: clinical testing. Allele origin: germline.
Comment: Variant summary: LOXHD1 c.5360A>C (p.Asp1787Ala) results in a non-conservative amino acid change in the encoded protein sequence. Three of five in-silico tools predict a damaging effect of the variant on protein function. The variant allele was found at a frequency of 0.00084 in 150924 control chromosomes, predominantly at a frequency of 0.0028 within the African or African-American subpopulation in the gnomAD v3.1.1 database. The observed variant frequency within African or African-American control individuals in the gnomAD database is approximately 2.5-fold of the estimated maximal expected allele frequency for a pathogenic variant in LOXHD1 causing Nonsyndromic Hearing Loss And Deafness, Type 77 phenotype (0.0011), strongly suggesting that the variant is a benign polymorphism found primarily in populations of African or African-American origin. To our knowledge, no occurrence of c.5360A>C in individuals affected with Nonsyndromic Hearing Loss And Deafness, Type 77 and no experimental evidence demonstrating its impact on protein function have been reported. Two clinical diagnostic laboratories have submitted clinical-significance assessments for this variant to ClinVar after 2014 without evidence for independent evaluation. One laboratory classified the variant as likely benign, and one laboratory classified the variant as uncertain significance. Based on the evidence outlined above, the variant was classified as likely benign.

Breakthrough Genomics
Classification: Likely benign. Review status: criteria provided, single submitter. Criteria: ACMG Guidelines, 2015. Collection method: not provided. Allele origin: germline. Inheritance: Autosomal recessive inheritance. Affected: yes.

PreventionGenetics, part of Exact Sciences
Classification: Likely benign for LOXHD1-related condition. Last evaluated: 2024-08-05. Review status: no assertion criteria provided. Collection method: clinical testing. Allele origin: germline. Not counted in ClinVar's aggregate classification.
Comment: This variant is classified as likely benign based on ACMG/AMP sequence variant interpretation guidelines (Richards et al. 2015 PMID: 25741868, with internal and published modifications).

Natera, Inc.
Classification: Uncertain significance for Autosomal recessive deafness type 77. Last evaluated: 2020-01-17. Review status: no assertion criteria provided. Collection method: clinical testing. Allele origin: germline. Not counted in ClinVar's aggregate classification.